The following is an entry in ClinVar:

NM_015102.5(NPHP4):c.1820C>T (p.Pro607Leu)

Gene: NPHP4 (nephrocystin 4; minus strand). Cytogenetic location: 1p36.31.
Variant type: single nucleotide variant.
Coding change: c.1820C>T on transcript NM_015102.5 (MANE Select); coding-DNA position 1820, C replaced by T.
Protein change: p.Pro607Leu; replaces proline 607 with leucine.
Molecular consequence: missense variant. On other transcripts: non-coding transcript variant (1).
Genome position (GRCh38, 1-based): chr1:5,905,427, G>A on the plus strand (C>T on the coding strand, the complement: NPHP4 is on the minus strand). VCF-style: chr1-5905427-G-A. GRCh37 (hg19) VCF-style: chr1-5965487-G-A.
Other names: c.281C>T, p.Pro94Leu (NM_001291593.2); c.284C>T, p.Pro95Leu (NM_001291594.2); short protein forms P94L, P95L, P607L.
Identifiers: ClinVar variation 2108708 (VCV002108708.4), dbSNP rs1290446329, ClinGen allele CA338054792.

ClinVar aggregate classification (germline): Uncertain significance (1 of 4 stars; one submission).

Conditions:
Nephronophthisis. Also called: Juvenile Nephronophthisis. Identifiers: Orphanet 655, MedGen C0687120, MONDO:0019005, HP:0000090.

Allele frequency attached by ClinVar (database versions not stated): gnomAD exomes below 0.00001.
gnomAD v4.1: 1 of 1,612,364 alleles (0.000062%); highest among the groups gnomAD compares: Non-Finnish European, 0.000085%; no homozygotes.

Submission:

Labcorp Genetics (formerly Invitae), Labcorp
Classification: Uncertain significance for Nephronophthisis. Last evaluated: 2022-03-11. Review status: criteria provided, single submitter. Criteria: Invitae Variant Classification Sherloc (09022015). Collection method: clinical testing. Allele origin: germline.
Comment: Algorithms developed to predict the effect of missense changes on protein structure and function are either unavailable or do not agree on the potential impact of this missense change (SIFT: "Deleterious"; PolyPhen-2: "Probably Damaging"; Align-GVGD: "Class C0"). In summary, the available evidence is currently insufficient to determine the role of this variant in disease. Therefore, it has been classified as a Variant of Uncertain Significance. This variant has not been reported in the literature in individuals affected with NPHP4-related conditions. This variant is not present in population databases (gnomAD no frequency). This sequence change replaces proline, which is neutral and non-polar, with leucine, which is neutral and non-polar, at codon 607 of the NPHP4 protein (p.Pro607Leu).